The following is an entry in ClinVar:

NM_001752.4(CAT):c.726C>A (p.Ile242=)

Gene: CAT (catalase; plus strand). Cytogenetic location: 11p13.
Variant type: single nucleotide variant.
Coding change: c.726C>A on transcript NM_001752.4 (MANE Select); coding-DNA position 726, C replaced by A.
Protein change: p.Ile242=; no amino-acid change (isoleucine 242 retained).
Molecular consequence: synonymous variant.
Genome position (GRCh38, 1-based): chr11:34,456,025, C>A. VCF-style: chr11-34456025-C-A. GRCh37 (hg19) VCF-style: chr11-34477572-C-A.
Identifiers: ClinVar variation 719479 (VCV000719479.6), dbSNP rs17886350, ClinGen allele CA5944418.
Genomic context (GRCh38, chr11:34,456,025, plus strand): 5'-CTTTGACAATAAGTTTCCATTGGAGCTTCTTTCTTTCATTTTGTAGACTGACCAGGGCAT[C>A]AAAAACCTTTCTGTTGAAGATGCGGCGAGACTTTCCCAGGAAGATCCTGACTATGGCATC-3'
Protein context (NP_001743.1, residues 232-252): CKFHYKTDQG[Ile242=]KNLSVEDAAR

ClinVar aggregate classification (germline): Benign. Review status: criteria provided, single submitter (1 of 4 stars). 2 submissions from 2 submitters: Benign (1). 1 of the submissions does not count toward it. Last evaluated 2019-12-31.

Conditions:
CAT-related disorder. Also called: CAT-related condition.

Allele frequency attached by ClinVar (database versions not stated): gnomAD exomes 0.00023 and 0.00009; 1000 Genomes Project 30x 0.00047; gnomAD 0.00084 and 0.00093; 1000 Genomes Project 0.00040; ExAC 0.00026; TOPMed 0.00086; ESP Exome Variant Server 0.00123.
gnomAD v4.1: 259 of 1,613,994 alleles (0.016%); highest among the groups gnomAD compares: African/African-American, 0.3%; no homozygotes.

Submissions (2):

Labcorp Genetics (formerly Invitae), Labcorp
Classification: Benign. Last evaluated: 2019-12-31. Review status: criteria provided, single submitter. Criteria: Invitae Variant Classification Sherloc (09022015). Collection method: clinical testing. Allele origin: germline.

PreventionGenetics, part of Exact Sciences
Classification: Likely benign for CAT-related condition. Last evaluated: 2019-07-14. Review status: no assertion criteria provided. Collection method: clinical testing. Allele origin: germline. Not counted in ClinVar's aggregate classification.
Comment: This variant is classified as likely benign based on ACMG/AMP sequence variant interpretation guidelines (Richards et al. 2015 PMID: 25741868, with internal and published modifications).